The following is an entry in ClinVar:

ClinVar aggregate classification (germline): Pathogenic. Review status: criteria provided, multiple submitters, no conflicts (2 of 4 stars). 3 submissions from 3 submitters: Pathogenic (3). Last evaluated 2024-11-24.

Conditions:
Multiple congenital exostosis (EXT). Also called: Hereditary multiple osteochondromas; MULTIPLE CARTILAGINOUS EXOSTOSES; Multiple exostoses; Hereditary multiple exostoses; Hereditary multiple exostosis; Multiple osteochondromas. Identifiers: Orphanet 321, MedGen C0015306, MONDO:0005508, HP:0002762.
EXT1-related disorders.

gnomAD v4.1: 2 of 1,613,472 alleles (0.00012%); highest among the groups gnomAD compares: East Asian, 0.0022%; no homozygotes.

Submissions (3):

Labcorp Genetics (formerly Invitae), Labcorp
Classification: Pathogenic for Multiple congenital exostosis. Last evaluated: 2024-11-24. Review status: criteria provided, single submitter. Criteria: Invitae Variant Classification Sherloc (09022015). Collection method: clinical testing. Allele origin: germline.
Comment: This sequence change affects a donor splice site in intron 2 of the EXT1 gene. It is expected to disrupt RNA splicing. Variants that disrupt the donor or acceptor splice site typically lead to a loss of protein function (PMID: 16199547), and loss-of-function variants in EXT1 are known to be pathogenic (PMID: 10679937, 11391482, 19810120). This variant is not present in population databases (gnomAD no frequency). Disruption of this splice site has been observed in individuals with multiple osteochondromas (PMID: 1816274, 9150727, 15586175, 17041877, 17301954). Invitae Evidence Modeling of clinical and family history, age, sex, and reported ancestry of multiple individuals with this EXT1 variant has been performed. This variant is expected to be pathogenic with a positive predictive value of at least 99%. This is a validated machine learning model that incorporates the clinical features of 50,122 individuals referred to our laboratory for EXT1 testing. ClinVar contains an entry for this variant (Variation ID: 583370). Algorithms developed to predict the effect of sequence changes on RNA splicing suggest that this variant may disrupt the consensus splice site. For these reasons, this variant has been classified as Pathogenic.

CeGaT Center for Human Genetics Tuebingen
Classification: Pathogenic. Last evaluated: 2024-09-01. Review status: criteria provided, single submitter. Criteria: CeGaT Center For Human Genetics Tuebingen Variant Classification Criteria Version 2. Collection method: clinical testing. Allele origin: germline. Affected: yes. Observed: 1 variant allele.
Comment: EXT1: PVS1, PP1:Strong, PM2

Blueprint Genetics
Classification: Pathogenic for EXT1-related disorders. Last evaluated: 2023-07-21. Review status: criteria provided, single submitter. Criteria: ACMG Guidelines, 2015. Collection method: clinical testing. Allele origin: germline. Affected: yes. Observed: 1 variant allele.

Literature cited by the submitters: PubMed 16199547 (cited by Labcorp Genetics (formerly Invitae), Labcorp); PubMed 10679937 (cited by Labcorp Genetics (formerly Invitae), Labcorp); PubMed 11391482 (cited by Labcorp Genetics (formerly Invitae), Labcorp); PubMed 19810120 (cited by Labcorp Genetics (formerly Invitae), Labcorp); PubMed 1816274 (cited by Labcorp Genetics (formerly Invitae), Labcorp); PubMed 9150727 (cited by Labcorp Genetics (formerly Invitae), Labcorp); PubMed 15586175 (cited by Labcorp Genetics (formerly Invitae), Labcorp); PubMed 17041877 (cited by Labcorp Genetics (formerly Invitae), Labcorp); PubMed 17301954 (cited by Labcorp Genetics (formerly Invitae), Labcorp).

NM_000127.3(EXT1):c.1056+1G>A

Gene: EXT1 (exostosin glycosyltransferase 1; minus strand). Cytogenetic location: 8q24.11.
Variant type: single nucleotide variant.
Coding change: c.1056+1G>A on transcript NM_000127.3 (MANE Select); the canonical splice donor site of the intron after coding-DNA position 1056, G replaced by A.
Molecular consequence: splice donor variant.
Genome position (GRCh38, 1-based): chr8:117,837,107, C>T on the plus strand (G>A on the coding strand, the complement: EXT1 is on the minus strand). VCF-style: chr8-117837107-C-T. GRCh37 (hg19) VCF-style: chr8-118849346-C-T.
Identifiers: ClinVar variation 583370 (VCV000583370.26), dbSNP rs886039354, ClinGen allele CA371893188.